The following is an entry in ClinVar:

NM_003024.3(ITSN1):c.5062G>C (p.Asp1688His)

Gene: ITSN1 (intersectin 1; plus strand). Cytogenetic location: 21q22.11.
Variant type: single nucleotide variant.
Coding change: c.5062G>C on transcript NM_003024.3 (MANE Select); coding-DNA position 5062, G replaced by C.
Protein change: p.Asp1688His; replaces aspartic acid 1688 with histidine.
Molecular consequence: missense variant.
Genome position (GRCh38, 1-based): chr21:33,888,196, G>C. VCF-style: chr21-33888196-G-C. GRCh37 (hg19) VCF-style: chr21-35260500-G-C.
Other names: c.5047G>C, p.Asp1683His (NM_001331010.2); short protein forms D1683H, D1688H.
Identifiers: ClinVar variation 5037075 (VCV005037075.1).
Genomic context (GRCh38, chr21:33,888,196, plus strand): 5'-TTTGTTCTCTTTTCAGATTTTTTGGGTCGGACGGAGATCCGTGTGGCGGACATCAAGAAA[G>C]ACCAGGGCTCCAAAGGTCCAGTTACGAAGTGTCTTCTGCTGCACGAAGTCCCCACGGGAG-3'
Protein context (NP_003015.2, residues 1678-1698): TEIRVADIKK[Asp1688His]QGSKGPVTKC

ClinVar aggregate classification (germline): Uncertain significance (1 of 4 stars; one submission).

Submission:

GeneDx
Classification: Uncertain significance. Last evaluated: 2026-04-14. Review status: criteria provided, single submitter. Criteria: GeneDx Variant Classification Process June 2021. Collection method: clinical testing. Allele origin: germline.
Comment: Not observed at significant frequency in large population cohorts (gnomAD); In silico analysis supports that this missense variant has a deleterious effect on protein structure/function; Has not been previously published as pathogenic or benign to our knowledge